The following is an entry in ClinVar:

NM_000387.6(SLC25A20):c.342del (p.Phe114fs)

Gene: SLC25A20 (solute carrier family 25 member 20; minus strand). Cytogenetic location: 3p21.31.
Variant type: Deletion.
Coding change: c.342del on transcript NM_000387.6 (MANE Select); coding-DNA position 342, one base deleted (T; older notation c.342delT).
Protein change: p.Phe114fs; shifts the reading frame from phenylalanine 114.
Molecular consequence: frameshift variant.
Genome position (GRCh38, 1-based): chr3:48,879,433, A deleted on the plus strand (T on the coding strand, the reverse complement: SLC25A20 is on the minus strand); the first of 5 consecutive A bases (chr3:48,879,433-48,879,437); deleting any one gives the same sequence. VCF-style (leftmost placement, unchanged base first): chr3-48879432-CA-C. GRCh37 (hg19) VCF-style: chr3-48916865-CA-C.
Other names: c.342delT (NM_000387.5); short protein forms F114fs.
Identifiers: ClinVar variation 2678865 (VCV002678865.4), dbSNP rs2471021176, ClinGen allele CA2665662180.

ClinVar aggregate classification (germline): Likely pathogenic. Review status: criteria provided, multiple submitters, no conflicts (2 of 4 stars). 3 submissions from 3 submitters: Likely pathogenic (2). 1 of the submissions does not count toward it. Last evaluated 2024-05-17.

Conditions:
Carnitine acylcarnitine translocase deficiency (CACTD). Identifiers: Orphanet 159, MedGen C0342791, MONDO:0008918, OMIM 212138.
SLC25A20-related disorder. Also called: SLC25A20-related condition.

Submissions (3):

Fulgent Genetics
Classification: Likely pathogenic for Carnitine acylcarnitine translocase deficiency. Last evaluated: 2024-05-17. Review status: criteria provided, single submitter. Criteria: ACMG Guidelines, 2015. Collection method: clinical testing. Allele origin: germline.

Baylor Genetics
Classification: Likely pathogenic for Carnitine acylcarnitine translocase deficiency. Last evaluated: 2024-03-18. Review status: criteria provided, single submitter. Criteria: ACMG Guidelines, 2015. Collection method: clinical testing. Allele origin: unknown.

PreventionGenetics, part of Exact Sciences
Classification: Pathogenic for SLC25A20-related condition. Last evaluated: 2024-08-05. Review status: no assertion criteria provided. Collection method: clinical testing. Allele origin: germline. Not counted in ClinVar's aggregate classification.
Comment: The SLC25A20 c.342delT variant is predicted to result in a frameshift and premature protein termination (p.Phe114Leufs*15). To our knowledge, this variant has not been reported in the literature or in a large population database, indicating this variant is rare. Frameshift variants in SLC25A20 are expected to be pathogenic. This variant is interpreted as pathogenic.